The following is an entry in ClinVar:

NM_000245.4(MET):c.1222G>T (p.Gly408Cys)

Gene: MET (MET proto-oncogene, receptor tyrosine kinase; plus strand). Cytogenetic location: 7q31.2.
Variant type: single nucleotide variant.
Coding change: c.1222G>T on transcript NM_000245.4 (MANE Select); coding-DNA position 1222, G replaced by T.
Protein change: p.Gly408Cys; replaces glycine 408 with cysteine.
Molecular consequence: missense variant. On other transcripts: 5 prime UTR variant (1).
Genome position (GRCh38, 1-based): chr7:116,731,689, G>T. VCF-style: chr7-116731689-G-T. GRCh37 (hg19) VCF-style: chr7-116371743-G-T.
Other names: c.1222G>T, p.Gly408Cys (NM_001127500.3, NM_001324401.3); c.-69G>T (NM_001324402.2); short protein forms G408C.
Identifiers: ClinVar variation 1986851 (VCV001986851.4), dbSNP rs1289461217, ClinGen allele CA368972716.

ClinVar aggregate classification (germline): Uncertain significance (1 of 4 stars; one submission).

Conditions:
Renal cell carcinoma. Identifiers: Orphanet 217071, MedGen C0007134, MeSH D002292, MONDO:0005086, HP:0005584.

Submission:

Labcorp Genetics (formerly Invitae), Labcorp
Classification: Uncertain significance for Renal cell carcinoma. Last evaluated: 2022-04-24. Review status: criteria provided, single submitter. Criteria: Invitae Variant Classification Sherloc (09022015). Collection method: clinical testing. Allele origin: germline.
Comment: In summary, the available evidence is currently insufficient to determine the role of this variant in disease. Therefore, it has been classified as a Variant of Uncertain Significance. This sequence change replaces glycine, which is neutral and non-polar, with cysteine, which is neutral and slightly polar, at codon 408 of the MET protein (p.Gly408Cys). This variant is not present in population databases (gnomAD no frequency). This variant has not been reported in the literature in individuals affected with MET-related conditions. Algorithms developed to predict the effect of missense changes on protein structure and function are either unavailable or do not agree on the potential impact of this missense change (SIFT: "Tolerated"; PolyPhen-2: "Possibly Damaging"; Align-GVGD: "Class C0").